The following is an entry in ClinVar:

NM_000326.5(RLBP1):c.925C>T (p.Gln309Ter)

Gene: RLBP1 (retinaldehyde binding protein 1; minus strand). Cytogenetic location: 15q26.1.
Variant type: single nucleotide variant.
Coding change: c.925C>T on transcript NM_000326.5 (MANE Select); coding-DNA position 925, C replaced by T.
Protein change: p.Gln309Ter; replaces glutamine 309 with a stop codon.
Molecular consequence: nonsense.
Genome position (GRCh38, 1-based): chr15:89,210,314, G>A on the plus strand (C>T on the coding strand, the complement: RLBP1 is on the minus strand). VCF-style: chr15-89210314-G-A. GRCh37 (hg19) VCF-style: chr15-89753545-G-A.
Other names: short protein forms Q309*.
Identifiers: ClinVar variation 850206 (VCV000850206.9), dbSNP rs769666232, ClinGen allele CA7722141.

ClinVar aggregate classification (germline): Uncertain significance. Review status: criteria provided, multiple submitters, no conflicts (2 of 4 stars). 4 submissions from 4 submitters: Uncertain significance (4). Last evaluated 2026-09-18.

Conditions:
RLBP1-related disorder. Also called: RLBP1-related disorders; RLBP1-related condition. Identifiers: MedGen CN239413.

Allele frequency attached by ClinVar (database versions not stated): ExAC 0.00001; gnomAD exomes 0.00001; gnomAD 0.00013 and 0.00016; TOPMed 0.00032.
gnomAD v4.1: 67 of 1,614,042 alleles (0.0042%); highest among the groups gnomAD compares: Admixed American, 0.04%; no homozygotes.

Submissions (4):

PreventionGenetics, part of Exact Sciences
Classification: Uncertain significance for RLBP1-related condition. Last evaluated: 2026-09-18. Review status: criteria provided, single submitter. Criteria: ACMG Guidelines, 2015. Collection method: clinical testing. Allele origin: germline.
Comment: The RLBP1 c.925C>T variant is predicted to result in premature protein termination (p.Gln309*). To our knowledge, this variant has not been reported in inidividuals with RLBP1-related disease in the literature. This variant is reported in 0.0029% of alleles in individuals of Latino descent in gnomAD. This variant resides in the final exon of this gene, and it is unclear if the resulting mRNA would undergo nonsense-mediated decay. At this time, the clinical significance of this variant is uncertain due to the absence of conclusive functional and genetic evidence.

Labcorp Genetics (formerly Invitae), Labcorp
Classification: Uncertain significance. Last evaluated: 2024-10-22. Review status: criteria provided, single submitter. Criteria: Invitae Variant Classification Sherloc (09022015). Collection method: clinical testing. Allele origin: germline.
Comment: This sequence change creates a premature translational stop signal (p.Gln309*) in the RLBP1 gene. While this is not anticipated to result in nonsense mediated decay, it is expected to disrupt the last 9 amino acid(s) of the RLBP1 protein. This variant is present in population databases (rs769666232, gnomAD 0.008%). This variant has not been reported in the literature in individuals affected with RLBP1-related conditions. ClinVar contains an entry for this variant (Variation ID: 850206). Experimental studies and prediction algorithms are not available or were not evaluated, and the functional significance of this variant is currently unknown. Algorithms developed to predict the effect of sequence changes on RNA splicing suggest that this variant may create or strengthen a splice site. In summary, the available evidence is currently insufficient to determine the role of this variant in disease. Therefore, it has been classified as a Variant of Uncertain Significance.

Blueprint Genetics
Classification: Uncertain significance. Last evaluated: 2024-09-20. Review status: criteria provided, single submitter. Criteria: ACMG Guidelines, 2015. Collection method: clinical testing. Allele origin: germline.

Women's Health and Genetics/Laboratory Corporation of America, LabCorp
Classification: Uncertain significance. Last evaluated: 2022-09-03. Review status: criteria provided, single submitter. Criteria: LabCorp Variant Classification Summary - May 2015. Collection method: clinical testing. Allele origin: germline.
Comment: Variant summary: RLBP1 c.925C>T (p.Gln309X) results in a premature termination codon, predicted to cause a truncation of the encoded protein. Although the variant is not expected to cause nonsense mediated decay, it is predicted to disrupt the last 9 amino acids in the protein sequence. The variant allele was found at a frequency of 1.2e-05 in 251346 control chromosomes (gnomAD). The available data on variant occurrences in the general population are insufficient to allow any conclusion about variant significance. To our knowledge, no occurrence of c.925C>T in individuals affected with Retinitis Pigmentosa and no experimental evidence demonstrating its impact on protein function have been reported. One ClinVar submitter has assessed the variant since 2014: the variant was classified as uncertain significance. Based on the evidence outlined above, the variant was classified as uncertain significance.